The following is an entry in ClinVar:

ClinVar aggregate classification (germline): Pathogenic (1 of 4 stars; one submission).

Conditions:
Hereditary breast ovarian cancer syndrome. Also called: Hereditary breast and ovarian cancer syndrome; Hereditary breast and ovarian cancer syndrome (HBOC); BRCA1- and BRCA2-Associated Hereditary Breast and Ovarian Cancer; Hereditary breast and/or ovarian cancer syndrome; Hereditary breast and ovarian cancer; Breast and ovarian cancer. Identifiers: Orphanet 145, MedGen C0677776, MeSH D061325, MONDO:0003582. Disease mechanism: loss of function.

Submission:

Labcorp Genetics (formerly Invitae), Labcorp
Classification: Pathogenic for Hereditary breast ovarian cancer syndrome. Last evaluated: 2018-01-28. Review status: criteria provided, single submitter. Criteria: Invitae Variant Classification Sherloc (09022015). Collection method: clinical testing. Allele origin: germline.
Comment: Algorithms developed to predict the effect of sequence changes on RNA splicing suggest that this variant may disrupt the consensus splice site, but this prediction has not been confirmed by published transcriptional studies. For these reasons, this variant has been classified as Pathogenic. Donor and acceptor splice site variants typically lead to a loss of protein function (PMID: 16199547), and loss-of-function variants in BRCA2 are known to be pathogenic (PMID: 20104584). This variant has not been reported in the literature in individuals with BRCA2-related disease. This variant is not present in population databases (ExAC no frequency). This sequence change removes the last 9 nucleotides of exon 19, and affects a donor splice site in intron 19 of the BRCA2 gene. It is expected to disrupt RNA splicing and/or create a premature translational stop signal, and likely results in an absent or disrupted protein product.

Literature cited by the submitters: PubMed 16199547; PubMed 20104584.

NM_000059.4(BRCA2):c.8479_8487+8del

Gene: BRCA2 (BRCA2 DNA repair associated; plus strand). Cytogenetic location: 13q13.1.
Variant type: Deletion.
Coding change: c.8479_8487+8del on transcript NM_000059.4 (MANE Select); coding-DNA position 8479 through 8 bases into the intron after coding-DNA position 8487, 17 bases deleted (CCTATACAGGTATGATG).
Molecular consequence: splice donor variant.
Genome position (GRCh38, 1-based): chr13:32,370,549-32,370,565, CCTATACAGGTATGATG deleted. VCF-style (leftmost placement, unchanged base first): chr13-32370548-CCCTATACAGGTATGATG-C. GRCh37 (hg19) VCF-style: chr13-32944685-CCCTATACAGGTATGATG-C.
Identifiers: ClinVar variation 579007 (VCV000579007.7), dbSNP rs1566248961, ClinGen allele CA891843898.